The following is an entry in ClinVar:

ClinVar aggregate classification (germline): Conflicting classifications of pathogenicity. Review status: criteria provided, conflicting classifications (1 of 4 stars). 2 submissions from 2 submitters: Uncertain significance (1); Likely benign (1). Last evaluated 2016-12-07.

Allele frequency attached by ClinVar (database versions not stated): gnomAD 0.00001.
gnomAD v4.1: 3 of 1,614,058 alleles (0.00019%); highest among the groups gnomAD compares: African/African-American, 0.004%; no homozygotes.

Submissions (2):

GeneDx
Classification: Likely benign. Last evaluated: 2016-12-07. Review status: criteria provided, single submitter. Criteria: GeneDx Variant Classification (06012015). Collection method: clinical testing. Allele origin: germline. Affected: yes.
Comment: This variant is considered likely benign or benign based on one or more of the following criteria: it is a conservative change, it occurs at a poorly conserved position in the protein, it is predicted to be benign by multiple in silico algorithms, and/or has population frequency not consistent with disease.

Eurofins Ntd Llc (ga)
Classification: Uncertain significance. Last evaluated: 2015-05-13. Review status: criteria provided, single submitter. Criteria: EGL Classification Definitions 2015. Collection method: clinical testing. Allele origin: germline. Observed: 1 variant allele, 1 heterozygote.

NM_182961.4(SYNE1):c.20322G>A (p.Glu6774=)

Gene: SYNE1 (spectrin repeat containing nuclear envelope protein 1; minus strand). Cytogenetic location: 6q25.2.
Variant type: single nucleotide variant.
Coding change: c.20322G>A on transcript NM_182961.4 (MANE Select); coding-DNA position 20322, G replaced by A.
Protein change: p.Glu6774=; no amino-acid change (glutamic acid 6774 retained).
Molecular consequence: synonymous variant.
Genome position (GRCh38, 1-based): chr6:152,236,181, C>T on the plus strand (G>A on the coding strand, the complement: SYNE1 is on the minus strand). VCF-style: chr6-152236181-C-T. GRCh37 (hg19) VCF-style: chr6-152557316-C-T.
Other names: c.20109G>A, p.Glu6703= (NM_033071.5).
Identifiers: ClinVar variation 193784 (VCV000193784.5), dbSNP rs758437949, ClinGen allele CA239432.